The following is an entry in ClinVar:

ClinVar aggregate classification (germline): Uncertain significance (1 of 4 stars; one submission).

Submission:

GeneDx
Classification: Uncertain significance. Last evaluated: 2024-01-24. Review status: criteria provided, single submitter. Criteria: GeneDx Variant Classification Process June 2021. Collection method: clinical testing. Allele origin: germline. Affected: yes.
Comment: Not observed at significant frequency in large population cohorts (gnomAD); In silico analysis supports that this missense variant has a deleterious effect on protein structure/function; Has not been previously published as pathogenic or benign to our knowledge

NM_001297595.2(SIN3B):c.1906C>G (p.Leu636Val)

Gene: SIN3B (SIN3 transcription regulator family member B; plus strand). Cytogenetic location: 19p13.11.
Variant type: single nucleotide variant.
Coding change: c.1906C>G on transcript NM_001297595.2 (MANE Select); coding-DNA position 1906, C replaced by G.
Protein change: p.Leu636Val; replaces leucine 636 with valine.
Molecular consequence: missense variant.
Genome position (GRCh38, 1-based): chr19:16,869,559, C>G. VCF-style: chr19-16869559-C-G. GRCh37 (hg19) VCF-style: chr19-16980370-C-G.
Other names: c.676C>G, p.Leu226Val (NM_001297597.2); c.2002C>G, p.Leu668Val (NM_015260.4); short protein forms L226V, L636V, L668V.
Identifiers: ClinVar variation 3368355 (VCV003368355.1).